The following is an entry in ClinVar:

NM_003242.6(TGFBR2):c.689C>T (p.Thr230Met)

Gene: TGFBR2 (transforming growth factor beta receptor 2; plus strand). Cytogenetic location: 3p24.1.
Variant type: single nucleotide variant.
Coding change: c.689C>T on transcript NM_003242.6 (MANE Select); coding-DNA position 689, C replaced by T.
Protein change: p.Thr230Met; replaces threonine 230 with methionine.
Molecular consequence: missense variant.
Genome position (GRCh38, 1-based): chr3:30,671,872, C>T. VCF-style: chr3-30671872-C-T. GRCh37 (hg19) VCF-style: chr3-30713364-C-T.
Other names: c.764C>T, p.Thr255Met (NM_001024847.3); c.872C>T, p.Thr291Met (NM_001407126.1); c.797C>T, p.Thr266Met (NM_001407127.1); c.716C>T, p.Thr239Met (NM_001407128.1); c.692C>T, p.Thr231Met (NM_001407129.1); c.689C>T, p.Thr230Met (NM_001407130.1); c.584C>T, p.Thr195Met (NM_001407132.1, NM_001407133.1, NM_001407134.1 and 2 more transcripts); c.404C>T, p.Thr135Met (NM_001407137.1); and 1 more; short protein forms T230M, T255M, T266M, T291M, T239M, T231M, T110M, T135M.
Identifiers: ClinVar variation 920418 (VCV000920418.21), dbSNP rs150116445, ClinGen allele CA049688.

ClinVar aggregate classification (germline): Conflicting classifications of pathogenicity. Review status: criteria provided, conflicting classifications (1 of 4 stars). 6 submissions from 6 submitters: Uncertain significance (5); Likely benign (1). Last evaluated 2026-08-28.

Conditions:
Loeys-Dietz syndrome (LDS). Identifiers: Orphanet 60030, MedGen C2697932, MONDO:0018954.
Loeys-Dietz syndrome 2 (LDS2). Also called: Marfan Syndrome type 2; Marfan like connective tissue disorder; MFS 2; MARFAN SYNDROME, TYPE II; AORTIC ANEURYSM, FAMILIAL THORACIC 3; TGFBR2-Related Loeys-Dietz Syndrome. Identifiers: Orphanet 284973, Orphanet 558, MedGen C2674574, MONDO:0012427, OMIM 610168.
Familial thoracic aortic aneurysm and aortic dissection (TAAD). Also called: Thoracic aortic aneurysms and dissections. Identifiers: Orphanet 91387, MedGen C4707243, MONDO:0019625.

Allele frequency attached by ClinVar (database versions not stated): ExAC 0.00002; gnomAD exomes 0.00001 and below 0.00001; ESP Exome Variant Server 0.00008; gnomAD 0.00005; 1000 Genomes Project 30x 0.00016; TOPMed 0.00007.
gnomAD v4.1: 15 of 1,614,230 alleles (0.00093%); highest among the groups gnomAD compares: African/African-American, 0.016%; no homozygotes.

Submissions (6):

GeneDx
Classification: Uncertain significance. Last evaluated: 2026-08-28. Review status: criteria provided, single submitter. Criteria: GeneDx Variant Classification Process June 2021. Collection method: clinical testing. Allele origin: germline.
Comment: Has not been previously published in association with a connective tissue disorder to our knowledge; Not observed at significant frequency in large population cohorts (gnomAD); In silico analysis supports that this missense variant has a deleterious effect on protein structure/function; This variant is associated with the following publications: (PMID: 28915720)

Ambry Genetics
Classification: Uncertain significance for Familial thoracic aortic aneurysm and aortic dissection. Last evaluated: 2026-05-08. Review status: criteria provided, single submitter. Criteria: Ambry Variant Classification Scheme 2023. Collection method: clinical testing. Allele origin: germline.
Comment: The p.T230M variant (also known as c.689C>T), located in coding exon 4 of the TGFBR2 gene, results from a C to T substitution at nucleotide position 689. The threonine at codon 230 is replaced by methionine, an amino acid with similar properties. This amino acid position is highly conserved in available vertebrate species. In addition, the in silico prediction for this alteration is inconclusive. Based on the available evidence, the clinical significance of this variant remains unclear.

Color Diagnostics, LLC DBA Color Health
Classification: Likely benign for Familial thoracic aortic aneurysm and aortic dissection. Last evaluated: 2025-09-22. Review status: criteria provided, single submitter. Criteria: ACMG Guidelines, 2015. Collection method: clinical testing. Allele origin: germline.

Labcorp Genetics (formerly Invitae), Labcorp
Classification: Uncertain significance for Familial thoracic aortic aneurysm and aortic dissection. Last evaluated: 2024-12-09. Review status: criteria provided, single submitter. Criteria: Invitae Variant Classification Sherloc (09022015). Collection method: clinical testing. Allele origin: germline.
Comment: This sequence change replaces threonine, which is neutral and polar, with methionine, which is neutral and non-polar, at codon 230 of the TGFBR2 protein (p.Thr230Met). This variant is present in population databases (rs150116445, gnomAD 0.01%). This variant has not been reported in the literature in individuals affected with TGFBR2-related conditions. ClinVar contains an entry for this variant (Variation ID: 920418). Invitae Evidence Modeling of protein sequence and biophysical properties (such as structural, functional, and spatial information, amino acid conservation, physicochemical variation, residue mobility, and thermodynamic stability) has been performed for this missense variant. However, the output from this modeling did not meet the statistical confidence thresholds required to predict the impact of this variant on TGFBR2 protein function. In summary, the available evidence is currently insufficient to determine the role of this variant in disease. Therefore, it has been classified as a Variant of Uncertain Significance.

All of Us Research Program, National Institutes of Health
Classification: Uncertain significance for Loeys-Dietz syndrome 2. Last evaluated: 2024-09-23. Review status: criteria provided, single submitter. Criteria: ACMG Guidelines, 2015. Collection method: clinical testing. Allele origin: germline. Inheritance: Autosomal dominant inheritance. Observed: 2 variant alleles, 2 heterozygotes.
Comment: This variant is located in the TGFBR2 protein. Computational prediction is inconclusive regarding the impact of this variant on protein structure and function (internally defined REVEL score threshold 0.5 < inconclusive < 0.7, PMID: 27666373). To our knowledge, functional studies have not been reported for this variant. This variant has not been reported in individuals affected with cardiovascular disorders in the literature. This variant has been identified in 2/250708 chromosomes in the general population by the Genome Aggregation Database (gnomAD). The available evidence is insufficient to determine the role of this variant in disease conclusively. Therefore, this variant is classified as a Variant of Uncertain Significance.

This study involves interpretation of variants in research participants for the purpose of population health screening. Participant phenotype was not available at the time of variant classification. Additional details can be found in publication PMID: 35346344, PMCID: PMC8962531

Women's Health and Genetics/Laboratory Corporation of America, LabCorp
Classification: Uncertain significance. Last evaluated: 2021-04-08. Review status: criteria provided, single submitter. Criteria: LabCorp Variant Classification Summary - May 2015. Collection method: clinical testing. Allele origin: germline.
Comment: Variant summary: TGFBR2 c.689C>T (p.Thr230Met) results in a non-conservative amino acid change in the encoded protein sequence. Four of five in-silico tools predict a damaging effect of the variant on protein function. The variant allele was found at a frequency of 8e-06 in 250708 control chromosomes. The available data on variant occurrences in the general population are insufficient to allow any conclusion about variant significance. To our knowledge, no occurrence of c.689C>T in individuals affected with Loeys-Dietz Syndrome and no experimental evidence demonstrating its impact on protein function have been reported. One clinical diagnostic laboratory has submitted clinical-significance assessments for this variant to ClinVar after 2014 without evidence for independent evaluation and classified the variant as uncertain significance. Based on the evidence outlined above, the variant was classified as uncertain significance.